The following is an entry in ClinVar:

ClinVar aggregate classification (germline): Likely benign. Review status: criteria provided, multiple submitters, no conflicts (2 of 4 stars). 2 submissions from 2 submitters: Likely benign (2). Last evaluated 2026-01-05.

Allele frequency attached by ClinVar (database versions not stated): ExAC 0.00004; gnomAD 0.00007; gnomAD exomes 0.00008 and 0.00018; TOPMed 0.00009; ESP Exome Variant Server 0.00015.
gnomAD v4.1: 262 of 1,612,066 alleles (0.016%); highest among the groups gnomAD compares: Non-Finnish European, 0.022%; no homozygotes.

Submissions (2):

Labcorp Genetics (formerly Invitae), Labcorp
Classification: Likely benign. Last evaluated: 2026-01-05. Review status: criteria provided, single submitter. Criteria: Invitae Variant Classification Sherloc (09022015). Collection method: clinical testing. Allele origin: germline.

GeneDx
Classification: Likely benign. Last evaluated: 2018-04-20. Review status: criteria provided, single submitter. Criteria: GeneDx Variant Classification (06012015). Collection method: clinical testing. Allele origin: germline. Affected: yes.
Comment: This variant is considered likely benign or benign based on one or more of the following criteria: it is a conservative change, it occurs at a poorly conserved position in the protein, it is predicted to be benign by multiple in silico algorithms, and/or has population frequency not consistent with disease.

NM_033109.5(PNPT1):c.1495+12A>G

Gene: PNPT1 (polyribonucleotide nucleotidyltransferase 1; minus strand). Cytogenetic location: 2p16.1.
Variant type: single nucleotide variant.
Coding change: c.1495+12A>G on transcript NM_033109.5 (MANE Select); 12 bases into the intron after coding-DNA position 1495, A replaced by G.
Molecular consequence: intron variant.
Genome position (GRCh38, 1-based): chr2:55,654,888, T>C on the plus strand (A>G on the coding strand, the complement: PNPT1 is on the minus strand). VCF-style: chr2-55654888-T-C. GRCh37 (hg19) VCF-style: chr2-55882023-T-C.
Identifiers: ClinVar variation 676597 (VCV000676597.8), dbSNP rs368159642, ClinGen allele CA1668056.
Genomic context (GRCh38, chr2:55,654,888, plus strand): 5'-GGCCTCCCAAGGCTCATGCCTGGGATTACAGGCATGAGCAATATCAGCAGTTTTGAGACA[T>C]AATTCTTTTACCTGAATCCATTAATGCTAAACTTCCGCCACATGCAGATGCCATAGAAGA-3'